The following is an entry in ClinVar:

NM_005029.4(PITX3):c.32C>T (p.Ala11Val)

Genes: GBF1 (golgi brefeldin A resistant guanine nucleotide exchange factor 1; plus strand), PITX3 (paired like homeodomain 3; minus strand). Cytogenetic location: 10q24.32.
Variant type: single nucleotide variant.
Coding change: c.32C>T on transcript NM_005029.4 (MANE Select); coding-DNA position 32, C replaced by T.
Protein change: p.Ala11Val; replaces alanine 11 with valine.
Molecular consequence: missense variant. On other transcripts: intron variant (2).
Genome position (GRCh38, 1-based): chr10:102,232,049, G>A on the plus strand (C>T on the coding strand, the complement: PITX3 is on the minus strand). VCF-style: chr10-102232049-G-A. GRCh37 (hg19) VCF-style: chr10-103991806-G-A.
Other names: c.-149+1133G>A (NM_001391924.1); c.-11+1133G>A (NM_001391923.1); short protein forms A11V.
Identifiers: ClinVar variation 3015864 (VCV003015864.3), dbSNP rs1376663871, ClinGen allele CA378163459.

ClinVar aggregate classification (germline): Uncertain significance (1 of 4 stars; one submission).

Allele frequency attached by ClinVar (database versions not stated): TOPMed 0.00001; gnomAD exomes below 0.00001.
gnomAD v4.1: 2 of 1,603,892 alleles (0.00012%); highest among the groups gnomAD compares: Non-Finnish European, 0.00017%; no homozygotes.

Submission:

Labcorp Genetics (formerly Invitae), Labcorp
Classification: Uncertain significance. Last evaluated: 2024-04-25. Review status: criteria provided, single submitter. Criteria: Invitae Variant Classification Sherloc (09022015). Collection method: clinical testing. Allele origin: germline.
Comment: This sequence change replaces alanine, which is neutral and non-polar, with valine, which is neutral and non-polar, at codon 11 of the PITX3 protein (p.Ala11Val). This variant is not present in population databases (gnomAD no frequency). This variant has not been reported in the literature in individuals affected with PITX3-related conditions. An algorithm developed to predict the effect of missense changes on protein structure and function (PolyPhen-2) suggests that this variant is likely to be disruptive. In summary, the available evidence is currently insufficient to determine the role of this variant in disease. Therefore, it has been classified as a Variant of Uncertain Significance.